The following is an entry in ClinVar:

ClinVar aggregate classification (germline): Pathogenic. Review status: criteria provided, multiple submitters, no conflicts (2 of 4 stars). 3 submissions from 3 submitters: Pathogenic (2). 1 of the submissions does not count toward it. Last evaluated 2024-07-18.

Conditions:
Charcot-Marie-Tooth disease, type I (CMT1). Also called: Charcot-Marie-Tooth disease type 1; Charcot-Marie-Tooth, Type 1. Identifiers: Orphanet 65753, MedGen C0751036, MONDO:0019011.
Charcot-Marie-Tooth disease. Also called: Charcot-Marie-Tooth Hereditary Neuropathy; Charcot-Marie-Tooth Neuropathy. Identifiers: Orphanet 166, MedGen C0007959, MONDO:0015626.

Allele frequency attached by ClinVar (database versions not stated): gnomAD exomes below 0.00001.
gnomAD v4.1: 1 of 1,613,944 alleles (0.000062%); highest among the groups gnomAD compares: Non-Finnish European, 0.000085%; no homozygotes.

Submissions (3):

Labcorp Genetics (formerly Invitae), Labcorp
Classification: Pathogenic for Charcot-Marie-Tooth disease, type I. Last evaluated: 2024-07-18. Review status: criteria provided, single submitter. Criteria: Invitae Variant Classification Sherloc (09022015). Collection method: clinical testing. Allele origin: germline.
Comment: This sequence change replaces isoleucine, which is neutral and non-polar, with threonine, which is neutral and polar, at codon 99 of the MPZ protein (p.Ile99Thr). This variant is not present in population databases (gnomAD no frequency). This missense change has been observed in individuals with Charcot-Marie-Tooth disease, type 1 (PMID: 9888385, 10093067, 11080236, 26310628). It has also been observed to segregate with disease in related individuals. ClinVar contains an entry for this variant (Variation ID: 637349). Advanced modeling of protein sequence and biophysical properties (such as structural, functional, and spatial information, amino acid conservation, physicochemical variation, residue mobility, and thermodynamic stability) performed at Invitae indicates that this missense variant is not expected to disrupt MPZ protein function with a negative predictive value of 80%. Experimental studies have shown that this missense change affects MPZ function (PMID: 29687021). For these reasons, this variant has been classified as Pathogenic.

Molecular Genetics Laboratory, London Health Sciences Centre
Classification: Pathogenic for Charcot-Marie-Tooth disease. Review status: criteria provided, single submitter. Criteria: ACMG Guidelines, 2015. Collection method: clinical testing. Allele origin: germline. Affected: yes.

Inherited Neuropathy Consortium
Classification: Uncertain significance for Charcot-Marie-Tooth disease. Review status: no assertion criteria provided. Collection method: literature only. Allele origin: germline. Affected: yes. Not counted in ClinVar's aggregate classification.

Literature cited by the submitters: PubMed 9888385 (cited by Labcorp Genetics (formerly Invitae), Labcorp and Inherited Neuropathy Consortium); PubMed 10093067 (cited by Labcorp Genetics (formerly Invitae), Labcorp); PubMed 11080236 (cited by Labcorp Genetics (formerly Invitae), Labcorp); PubMed 26310628 (cited by Labcorp Genetics (formerly Invitae), Labcorp); PubMed 29687021 (cited by Labcorp Genetics (formerly Invitae), Labcorp).

NM_000530.8(MPZ):c.296T>C (p.Ile99Thr)

Gene: MPZ (myelin protein zero; minus strand). Cytogenetic location: 1q23.3.
Variant type: single nucleotide variant.
Coding change: c.296T>C on transcript NM_000530.8 (MANE Select); coding-DNA position 296, T replaced by C.
Protein change: p.Ile99Thr; replaces isoleucine 99 with threonine.
Molecular consequence: missense variant.
Genome position (GRCh38, 1-based): chr1:161,306,860, A>G on the plus strand (T>C on the coding strand, the complement: MPZ is on the minus strand). VCF-style: chr1-161306860-A-G. GRCh37 (hg19) VCF-style: chr1-161276650-A-G.
Other names: c.296T>C (LRG_256t1); c.296T>C, p.Ile99Thr (NM_001315491.2); short protein forms I99T.
Identifiers: ClinVar variation 637349 (VCV000637349.10), dbSNP rs1571819182, ClinGen allele CA343349580.